The following is an entry in ClinVar:

NM_000112.4(SLC26A2):c.2131A>G (p.Ser711Gly)

Gene: SLC26A2 (solute carrier family 26 member 2; plus strand). Cytogenetic location: 5q32.
Variant type: single nucleotide variant.
Coding change: c.2131A>G on transcript NM_000112.4 (MANE Select); coding-DNA position 2131, A replaced by G.
Protein change: p.Ser711Gly; replaces serine 711 with glycine.
Molecular consequence: missense variant.
Genome position (GRCh38, 1-based): chr5:149,981,724, A>G. VCF-style: chr5-149981724-A-G. GRCh37 (hg19) VCF-style: chr5-149361287-A-G.
Other names: short protein forms S711G.
Identifiers: ClinVar variation 5003890 (VCV005003890.1).
Genomic context (GRCh38, chr5:149,981,724, plus strand): 5'-AGGGATTCCCTAACCAACGGAGAATATTGCAAAAAGGAAGAAGAAAACCTTCTCTTCTAT[A>G]GTGTGTATGAAGCGATGGCTTTTGCAGAAGTATCTAAAAATCAGAAAGGAGTATGTGTTC-3'
Protein context (NP_000103.2, residues 701-721): KKEEENLLFY[Ser711Gly]VYEAMAFAEV

ClinVar aggregate classification (germline): Uncertain significance (1 of 4 stars; one submission).

Conditions:
SLC26A2-related skeletal dysplasia. Identifiers: MedGen CN379209, MONDO:0100592.

Submission:

Myriad Genetics, Inc.
Classification: Uncertain significance for SLC26A2-related skeletal dysplasia. Last evaluated: 2025-11-20. Review status: criteria provided, single submitter. Criteria: Myriad Autosomal Dominant, Autosomal Recessive and X-Linked Classification Criteria (2023). Collection method: clinical testing. Allele origin: unknown.
Comment: NM_000112.3(SLC26A2):c.2131A>G(S711G) is a missense variant classified as a variant of uncertain significance in the context of SLC26A2-related disorders. S711G has not been observed in cases with relevant disease. Relevant functional assessments of this variant are not available in the literature. S711G has not been observed in referenced population frequency databases. In summary, there is insufficient evidence to classify NM_000112.3(SLC26A2):c.2131A>G(S711G) as pathogenic or benign. Please note: this variant was assessed in the context of healthy population screening.